The following is an entry in ClinVar:

NM_000238.4(KCNH2):c.2509G>A (p.Asp837Asn)

Gene: KCNH2 (potassium voltage-gated channel subfamily H member 2; minus strand). Cytogenetic location: 7q36.1.
Variant type: single nucleotide variant.
Coding change: c.2509G>A on transcript NM_000238.4 (MANE Select); coding-DNA position 2509, G replaced by A.
Protein change: p.Asp837Asn; replaces aspartic acid 837 with asparagine.
Molecular consequence: missense variant.
Genome position (GRCh38, 1-based): chr7:150,948,939, C>T on the plus strand (G>A on the coding strand, the complement: KCNH2 is on the minus strand). VCF-style: chr7-150948939-C-T. GRCh37 (hg19) VCF-style: chr7-150646027-C-T.
Other names: c.1489G>A, p.Asp497Asn (NM_172057.3); c.2509G>A (LRG_288t1); short protein forms D497N, D837N.
Identifiers: ClinVar variation 67405 (VCV000067405.9), dbSNP rs199473005, ClinGen allele CA006870.

ClinVar aggregate classification (germline): Pathogenic/Likely pathogenic. Review status: criteria provided, multiple submitters, no conflicts (2 of 4 stars). 3 submissions from 3 submitters: Pathogenic (1); Likely pathogenic (1). 1 of the submissions does not count toward it. Last evaluated 2025-07-21.

Conditions:
Familial long QT syndrome (RWS). Also called: Congenital long QT syndrome; Romano-Ward syndrome; VENTRICULAR FIBRILLATION WITH PROLONGED QT INTERVAL. Identifiers: Orphanet 768, MedGen C1141890, MONDO:0019171.
Long QT syndrome (LQTS). Identifiers: MedGen C0023976, MeSH D008133, MONDO:0002442. Disease mechanism: loss of function. Inheritance: Various modes of inheritance.
Long QT syndrome 2 (LQT2). Identifiers: Orphanet 101016, Orphanet 768, MedGen C3150943, MONDO:0013367, OMIM 613688.

Submissions (3):

Labcorp Genetics (formerly Invitae), Labcorp
Classification: Pathogenic for Long QT syndrome. Last evaluated: 2025-07-21. Review status: criteria provided, single submitter. Criteria: Invitae Variant Classification Sherloc (09022015). Collection method: clinical testing. Allele origin: germline.
Comment: This sequence change replaces aspartic acid, which is acidic and polar, with asparagine, which is neutral and polar, at codon 837 of the KCNH2 protein (p.Asp837Asn). This variant is not present in population databases (gnomAD no frequency). This missense change has been observed in individuals with Long QT syndrome (PMID: 19841300, 26669661). ClinVar contains an entry for this variant (Variation ID: 67405). An algorithm developed to predict the effect of missense changes on protein structure and function (PolyPhen-2) suggests that this variant is likely to be disruptive. This variant disrupts the p.Asp837 amino acid residue in KCNH2. Other variant(s) that disrupt this residue have been determined to be pathogenic (internal data database). This suggests that this residue is clinically significant, and that variants that disrupt this residue are likely to be disease-causing. For these reasons, this variant has been classified as Pathogenic.

Center for Medical Genetics Ghent, University of Ghent
Classification: Likely pathogenic for Long QT syndrome 2. Last evaluated: 2016-01-01. Review status: criteria provided, single submitter. Criteria: ACMG Guidelines, 2015. Collection method: clinical testing. Allele origin: germline. Affected: yes.

Cardiovascular Biomedical Research Unit, Royal Brompton & Harefield NHS Foundation Trust
No classification provided. Condition: Familial long QT syndrome. Review status: no classification provided. Collection method: literature only. Allele origin: germline. Not counted in ClinVar's aggregate classification.
Comment: This variant has been reported as associated with Long QT syndrome in the following publications (PMID:19841300). This is a literature report, and does not necessarily reflect the clinical interpretation of the Imperial College / Royal Brompton Cardiovascular Genetics laboratory.

Literature cited by the submitters: PubMed 19841300 (cited by 3 submitters); PubMed 26669661 (cited by Labcorp Genetics (formerly Invitae), Labcorp); PubMed 22581653 (cited by Cardiovascular Biomedical Research Unit, Royal Brompton & Harefield NHS Foundation Trust).